The following is an entry in ClinVar:

ClinVar aggregate classification (germline): Pathogenic (1 of 4 stars; one submission).

Submission:

Labcorp Genetics (formerly Invitae), Labcorp
Classification: Pathogenic. Last evaluated: 2021-12-18. Review status: criteria provided, single submitter. Criteria: Invitae Variant Classification Sherloc (09022015). Collection method: clinical testing. Allele origin: germline.
Comment: This sequence change creates a premature translational stop signal (p.Glu1790Argfs*3) in the VPS13A gene. It is expected to result in an absent or disrupted protein product. Loss-of-function variants in VPS13A are known to be pathogenic (PMID: 12404112, 21598378). This variant is not present in population databases (gnomAD no frequency). This variant has not been reported in the literature in individuals affected with VPS13A-related conditions. For these reasons, this variant has been classified as Pathogenic.

Literature cited by the submitters: PubMed 12404112; PubMed 21598378.

NM_033305.3(VPS13A):c.5367dup (p.Glu1790fs)

Gene: VPS13A (vacuolar protein sorting 13 homolog A; plus strand). Cytogenetic location: 9q21.2.
Variant type: Duplication.
Coding change: c.5367dup on transcript NM_033305.3 (MANE Select); coding-DNA position 5367, one base duplicated (A; older notation c.5367dupA).
Protein change: p.Glu1790fs; shifts the reading frame from glutamic acid 1790.
Molecular consequence: frameshift variant.
Genome position (GRCh38, 1-based): chr9:77,319,625, A duplicated. VCF-style (leftmost placement, unchanged base first): chr9-77319624-T-TA. GRCh37 (hg19) VCF-style: chr9-79934540-T-TA.
Other names: c.5250dup, p.Glu1751fs (NM_001018037.2); c.5367dup, p.Glu1790fs (NM_001018038.3, NM_015186.4); short protein forms E1751fs, E1790fs.
Identifiers: ClinVar variation 2046113 (VCV002046113.4), dbSNP rs2538001620, ClinGen allele CA2580080776.
Genomic context (GRCh38, chr9:77,319,624, plus strand): 5'-CTCTGTAGGTGCATTATTATAATGAAATGTTTGGTGTATGGGAGCCTTTGCTTGAACCCT[T>TA]AGAAATTGATCAGACTGAGGATTTTAGACCATGGAATCTTGGTATCAAGGTATATCTATA-3'